The following is an entry in ClinVar:

ClinVar aggregate classification (germline): Uncertain significance (1 of 4 stars; one submission).

Conditions:
Dilated cardiomyopathy 1O (CMD1O). Also called: CARDIOMYOPATHY, DILATED, WITH VENTRICULAR TACHYCARDIA. Identifiers: Orphanet 154, MedGen C1837839, MONDO:0012062, OMIM 608569.

gnomAD v4.1: 1 of 1,613,142 alleles (0.000062%); highest among the groups gnomAD compares: Non-Finnish European, 0.000085%; no homozygotes.

Submission:

Labcorp Genetics (formerly Invitae), Labcorp
Classification: Uncertain significance for Dilated cardiomyopathy 1O. Last evaluated: 2023-10-09. Review status: criteria provided, single submitter. Criteria: Invitae Variant Classification Sherloc (09022015). Collection method: clinical testing. Allele origin: germline.
Comment: This sequence change replaces histidine, which is basic and polar, with glutamine, which is neutral and polar, at codon 1331 of the ABCC9 protein (p.His1331Gln). This variant is not present in population databases (gnomAD no frequency). This variant has not been reported in the literature in individuals affected with ABCC9-related conditions. Advanced modeling of protein sequence and biophysical properties (such as structural, functional, and spatial information, amino acid conservation, physicochemical variation, residue mobility, and thermodynamic stability) has been performed at Invitae for this missense variant, however the output from this modeling did not meet the statistical confidence thresholds required to predict the impact of this variant on ABCC9 protein function. In summary, the available evidence is currently insufficient to determine the role of this variant in disease. Therefore, it has been classified as a Variant of Uncertain Significance.

NM_020297.4(ABCC9):c.3993C>A (p.His1331Gln)

Genes: KCNJ8-AS1 (KCNJ8 antisense RNA 1; plus strand), ABCC9 (ATP binding cassette subfamily C member 9; minus strand). Cytogenetic location: 12p12.1.
Variant type: single nucleotide variant.
Coding change: c.3993C>A on transcript NM_020297.4 (MANE Select); coding-DNA position 3993, C replaced by A.
Protein change: p.His1331Gln; replaces histidine 1331 with glutamine.
Molecular consequence: missense variant.
Genome position (GRCh38, 1-based): chr12:21,815,793, G>T on the plus strand (C>A on the coding strand, the complement: ABCC9 is on the minus strand). VCF-style: chr12-21815793-G-T. GRCh37 (hg19) VCF-style: chr12-21968727-G-T.
Other names: c.3993C>A, p.His1331Gln (NM_001377273.1, NM_005691.4); c.3126C>A, p.His1042Gln (NM_001377274.1); short protein forms H1042Q, H1331Q.
Identifiers: ClinVar variation 2767031 (VCV002767031.3), dbSNP rs377704379, ClinGen allele CA384136115.